The following is an entry in ClinVar:

NM_001358921.2(COQ2):c.227G>A (p.Arg76His)

Genes: COQ2 (coenzyme Q2, polyprenyltransferase; minus strand), LOC112997540 (Sharpr-MPRA regulatory region 13773; plus strand). Cytogenetic location: 4q21.23.
Variant type: single nucleotide variant.
Coding change: c.227G>A on transcript NM_001358921.2 (MANE Select); coding-DNA position 227, G replaced by A.
Protein change: p.Arg76His; replaces arginine 76 with histidine.
Molecular consequence: missense variant.
Genome position (GRCh38, 1-based): chr4:83,284,538, C>T on the plus strand (G>A on the coding strand, the complement: COQ2 is on the minus strand). VCF-style: chr4-83284538-C-T. GRCh37 (hg19) VCF-style: chr4-84205691-C-T.
Other names: p.R126H:CGC>CAC; c.377G>A, p.Arg126His (NM_015697.9); short protein forms R126H, R76H.
Identifiers: ClinVar variation 214228 (VCV000214228.3), dbSNP rs863223935, ClinGen allele CA322043.

ClinVar aggregate classification (germline): Uncertain significance. Review status: criteria provided, multiple submitters, no conflicts (2 of 4 stars). 2 submissions from 2 submitters: Uncertain significance (2). Last evaluated 2021-09-14.

Conditions:
Coenzyme Q10 deficiency, primary, 1. Also called: UBIQUINONE DEFICIENCY 1; COENZYME Q DEFICIENCY 1; CoQ DEFICIENCY 1. Identifiers: Orphanet 255249, MedGen C3551954, MONDO:0011829, OMIM 607426.
Multiple system atrophy 1, susceptibility to. Also called: MSA1, SUSCEPTIBILITY TO. Identifiers: MedGen C3714927, MONDO:0020715, OMIM 146500.

gnomAD v4.1: 1 of 1,575,848 alleles (0.000063%); highest among the groups gnomAD compares: Non-Finnish European, 0.000086%; no homozygotes.

Submissions (2):

Fulgent Genetics
Classification: Uncertain significance for Multiple system atrophy 1, susceptibility to; Coenzyme Q10 deficiency, primary, 1. Last evaluated: 2021-09-14. Review status: criteria provided, single submitter. Criteria: ACMG Guidelines, 2015. Collection method: clinical testing. Allele origin: unknown.

GeneDx
Classification: Uncertain significance. Last evaluated: 2013-04-12. Review status: criteria provided, single submitter. Criteria: GeneDx Variant Classification (06012015). Collection method: clinical testing. Allele origin: germline. Affected: yes.
Comment: p.Arg126His (CGC>CAC): c.377 G>A in exon 1 of the COQ2 gene (NM_015697.7). The R126H missense substitution has not been published as a mutation, nor has it been reported as a benign polymorphism to our knowledge. The amino acid change is conservative in that both Arginine and Histidine are positively charged amino acids. This change occurs at a position in the COQ2 protein that is semi-conserved. In-silico analysis models are not consistent in their predictions of whether R126H is damaging to the COQ2 protein. Therefore, based on the currently available information, it is unclear whether R126H is a disease-causing mutation or a rare benign variant. The variant is found in MITONUC-MITOP panel(s).